The following is an entry in ClinVar:

ClinVar aggregate classification (germline): Uncertain significance. Review status: criteria provided, multiple submitters, no conflicts (2 of 4 stars). 2 submissions from 2 submitters: Uncertain significance (2). Last evaluated 2022-08-21.

Conditions:
Peroxisome biogenesis disorder. Identifiers: Orphanet 79189, MedGen C1832200, MONDO:0019234. Disease mechanism: loss of function.

Allele frequency attached by ClinVar (database versions not stated): TOPMed below 0.00001; gnomAD exomes 0.00001.
gnomAD v4.1: 3 of 1,614,220 alleles (0.00019%); highest among the groups gnomAD compares: Admixed American, 0.005%; no homozygotes.

Submissions (2):

Labcorp Genetics (formerly Invitae), Labcorp
Classification: Uncertain significance for Peroxisome biogenesis disorder. Last evaluated: 2022-08-21. Review status: criteria provided, single submitter. Criteria: Invitae Variant Classification Sherloc (09022015). Collection method: clinical testing. Allele origin: germline.
Comment: This sequence change replaces aspartic acid, which is acidic and polar, with asparagine, which is neutral and polar, at codon 253 of the PEX6 protein (p.Asp253Asn). This variant is present in population databases (no rsID available, gnomAD 0.006%). This variant has not been reported in the literature in individuals affected with PEX6-related conditions. ClinVar contains an entry for this variant (Variation ID: 596707). Algorithms developed to predict the effect of missense changes on protein structure and function (SIFT, PolyPhen-2, Align-GVGD) all suggest that this variant is likely to be tolerated. In summary, the available evidence is currently insufficient to determine the role of this variant in disease. Therefore, it has been classified as a Variant of Uncertain Significance.

Eurofins Ntd Llc (ga)
Classification: Uncertain significance. Last evaluated: 2018-04-02. Review status: criteria provided, single submitter. Criteria: EGL ClinVar v180209 classification definitions. Collection method: clinical testing. Allele origin: germline. Observed: 1 variant allele, 1 heterozygote.

NM_000287.4(PEX6):c.757G>A (p.Asp253Asn)

Gene: PEX6 (peroxisomal biogenesis factor 6; minus strand). Cytogenetic location: 6p21.1.
Variant type: single nucleotide variant.
Coding change: c.757G>A on transcript NM_000287.4 (MANE Select); coding-DNA position 757, G replaced by A.
Protein change: p.Asp253Asn; replaces aspartic acid 253 with asparagine.
Molecular consequence: missense variant. On other transcripts: non-coding transcript variant (1), intron variant (1).
Genome position (GRCh38, 1-based): chr6:42,978,394, C>T on the plus strand (G>A on the coding strand, the complement: PEX6 is on the minus strand). VCF-style: chr6-42978394-C-T. GRCh37 (hg19) VCF-style: chr6-42946132-C-T.
Other names: c.618+139G>A (NM_001316313.2); short protein forms D253N.
Identifiers: ClinVar variation 596707 (VCV000596707.10), dbSNP rs1259137255, ClinGen allele CA364162255.